The following is an entry in ClinVar:

NM_003631.5(PARG):c.2807A>G (p.Tyr936Cys)

Gene: PARG (poly(ADP-ribose) glycohydrolase; minus strand). Cytogenetic location: 10q11.23.
Variant type: single nucleotide variant.
Coding change: c.2807A>G on transcript NM_003631.5 (MANE Select); coding-DNA position 2807, A replaced by G.
Protein change: p.Tyr936Cys; replaces tyrosine 936 with cysteine.
Molecular consequence: missense variant. On other transcripts: non-coding transcript variant (7).
Genome position (GRCh38, 1-based): chr10:49,819,464, T>C on the plus strand (A>G on the coding strand, the complement: PARG is on the minus strand). VCF-style: chr10-49819464-T-C. GRCh37 (hg19) VCF-style: chr10-51027510-T-C.
Other names: c.2561A>G, p.Tyr854Cys (NM_001303486.3, NM_001324381.3); c.2483A>G, p.Tyr828Cys (NM_001303487.3); c.1565A>G, p.Tyr522Cys (NM_001303489.3); short protein forms Y522C, Y936C, Y828C, Y854C.
Identifiers: ClinVar variation 3885659 (VCV003885659.1).

ClinVar aggregate classification (germline): Uncertain significance (1 of 4 stars; one submission).

gnomAD v4.1: 1 of 1,551,394 alleles (0.000064%); highest among the groups gnomAD compares: Non-Finnish European, 0.000087%; no homozygotes.

Submission:

Ambry Genetics
Classification: Uncertain significance. Last evaluated: 2025-03-10. Review status: criteria provided, single submitter. Criteria: Ambry Variant Classification Scheme 2023. Collection method: clinical testing. Allele origin: germline.
Comment: The c.2807A>G (p.Y936C) alteration is located in exon (coding exon ) of the PARG gene. This alteration results from a A to G substitution at nucleotide position 2807, causing the tyrosine (Y) at amino acid position 936 to be replaced by a cysteine (C). Based on insufficient or conflicting evidence, the clinical significance of this alteration remains unclear.